The following is an entry in ClinVar:

NM_001009994.3(RIPPLY2):c.121_124del (p.Val41fs)

Genes: RIPPLY2 (ripply transcriptional repressor 2; plus strand), RIPPLY2-CYB5R4 (RIPPLY2-CYB5R4 readthrough; plus strand). Cytogenetic location: 6q14.2.
Variant type: Deletion.
Coding change: c.121_124del on transcript NM_001009994.3 (MANE Select); coding-DNA positions 121 to 124, 4 bases deleted (GTGG; older notation c.121_124delGTGG).
Protein change: p.Val41fs; shifts the reading frame from valine 41.
Molecular consequence: frameshift variant. On other transcripts: 5 prime UTR variant (2), non-coding transcript variant (5).
Genome position (GRCh38, 1-based): chr6:83,853,720-83,853,723, GTGG deleted; deleting any 4 consecutive bases within chr6:83,853,717-83,853,723 gives the same sequence; the c. name uses the placement nearest the transcript's 3' end. VCF-style (leftmost placement, unchanged base first): chr6-83853716-CTGGG-C. GRCh37 (hg19) VCF-style: chr6-84563435-CTGGG-C.
Other names: c.-146_-143del (NM_001400774.1); c.-140_-137del (NM_001400899.1); c.121_124del, p.Val41fs (NM_001400900.1); short protein forms V41fs.
Identifiers: ClinVar variation 2832938 (VCV002832938.3), dbSNP rs2541239008, ClinGen allele CA2739273331.

ClinVar aggregate classification (germline): Uncertain significance (1 of 4 stars; one submission).

Submission:

Labcorp Genetics (formerly Invitae), Labcorp
Classification: Uncertain significance. Last evaluated: 2025-11-18. Review status: criteria provided, single submitter. Criteria: Invitae Variant Classification Sherloc (09022015). Collection method: clinical testing. Allele origin: germline.
Comment: This sequence change creates a premature translational stop signal (p.Val41Thrfs*24) in the RIPPLY2 gene. It is expected to result in an absent or disrupted protein product. However, the current clinical and genetic evidence is not sufficient to establish whether loss-of-function variants in RIPPLY2 cause disease. This variant is not present in population databases (gnomAD no frequency). This variant has not been reported in the literature in individuals affected with RIPPLY2-related conditions. ClinVar contains an entry for this variant (Variation ID: 2832938). Experimental studies and prediction algorithms are not available or were not evaluated, and the functional significance of this variant is currently unknown. In summary, the available evidence is currently insufficient to determine the role of this variant in disease. Therefore, it has been classified as a Variant of Uncertain Significance.